The following is an entry in ClinVar:

NM_002075.4(GNB3):c.373A>G (p.Asn125Asp)

Gene: GNB3 (G protein subunit beta 3; plus strand). Cytogenetic location: 12p13.31.
Variant type: single nucleotide variant.
Coding change: c.373A>G on transcript NM_002075.4 (MANE Select); coding-DNA position 373, A replaced by G.
Protein change: p.Asn125Asp; replaces asparagine 125 with aspartic acid.
Molecular consequence: missense variant.
Genome position (GRCh38, 1-based): chr12:6,843,468, A>G. VCF-style: chr12-6843468-A-G. GRCh37 (hg19) VCF-style: chr12-6952632-A-G.
Other names: c.373A>G, p.Asn125Asp (NM_001297571.2); c.373A>G (NM_002075.2); short protein forms N125D.
Identifiers: ClinVar variation 837231 (VCV000837231.9), dbSNP rs1324192321, ClinGen allele CA383672530.

ClinVar aggregate classification (germline): Uncertain significance. Review status: criteria provided, multiple submitters, no conflicts (2 of 4 stars). 3 submissions from 3 submitters: Uncertain significance (3). Last evaluated 2026-01-17.

Conditions:
Inborn genetic diseases. Identifiers: MedGen C0950123, MeSH D030342.

Allele frequency attached by ClinVar (database versions not stated): gnomAD exomes 0.00001; gnomAD 0.00013; TOPMed 0.00022.

Submissions (3):

Labcorp Genetics (formerly Invitae), Labcorp
Classification: Uncertain significance. Last evaluated: 2026-01-17. Review status: criteria provided, single submitter. Criteria: Invitae Variant Classification Sherloc (09022015). Collection method: clinical testing. Allele origin: germline.
Comment: This sequence change replaces asparagine, which is neutral and polar, with aspartic acid, which is acidic and polar, at codon 125 of the GNB3 protein (p.Asn125Asp). This variant is present in population databases (no rsID available, gnomAD 0.1%). This variant has not been reported in the literature in individuals affected with GNB3-related conditions. ClinVar contains an entry for this variant (Variation ID: 837231). Invitae Evidence Modeling of protein sequence and biophysical properties (such as structural, functional, and spatial information, amino acid conservation, physicochemical variation, residue mobility, and thermodynamic stability) indicates that this missense variant is not expected to disrupt GNB3 protein function with a negative predictive value of 80%. In summary, the available evidence is currently insufficient to determine the role of this variant in disease. Therefore, it has been classified as a Variant of Uncertain Significance.

Ambry Genetics
Classification: Uncertain significance for Inborn genetic diseases. Last evaluated: 2021-07-08. Review status: criteria provided, single submitter. Criteria: Ambry Variant Classification Scheme 2023. Collection method: clinical testing. Allele origin: germline.

Blueprint Genetics
Classification: Uncertain significance. Last evaluated: 2021-06-28. Review status: criteria provided, single submitter. Criteria: ACMG Guidelines, 2015. Collection method: clinical testing. Allele origin: germline.